The following is an entry in ClinVar:

ClinVar aggregate classification (germline): Uncertain significance (1 of 4 stars; one submission).

gnomAD v4.1: 52 of 1,576,868 alleles (0.0033%); highest among the groups gnomAD compares: East Asian, 0.051%; no homozygotes.

Submission:

Labcorp Genetics (formerly Invitae), Labcorp
Classification: Uncertain significance. Last evaluated: 2025-11-01. Review status: criteria provided, single submitter. Criteria: Invitae Variant Classification Sherloc (09022015). Collection method: clinical testing. Allele origin: germline.
Comment: This sequence change replaces proline, which is neutral and non-polar, with leucine, which is neutral and non-polar, at codon 490 of the PLEKHM2 protein (p.Pro490Leu). This variant is present in population databases (rs368020288, gnomAD 0.01%). This variant has not been reported in the literature in individuals affected with PLEKHM2-related conditions. An algorithm developed to predict the effect of missense changes on protein structure and function (PolyPhen-2) suggests that this variant is likely to be disruptive. In summary, the available evidence is currently insufficient to determine the role of this variant in disease. Therefore, it has been classified as a Variant of Uncertain Significance.

NM_015164.4(PLEKHM2):c.1469C>T (p.Pro490Leu)

Gene: PLEKHM2 (pleckstrin homology and RUN domain containing M2; plus strand). Cytogenetic location: 1p36.21.
Variant type: single nucleotide variant.
Coding change: c.1469C>T on transcript NM_015164.4 (MANE Select); coding-DNA position 1469, C replaced by T.
Protein change: p.Pro490Leu; replaces proline 490 with leucine.
Molecular consequence: missense variant.
Genome position (GRCh38, 1-based): chr1:15,727,541, C>T. VCF-style: chr1-15727541-C-T. GRCh37 (hg19) VCF-style: chr1-16054036-C-T.
Other names: c.1409C>T, p.Pro470Leu (NM_001410755.1); short protein forms P470L, P490L.
Identifiers: ClinVar variation 4812348 (VCV004812348.1).